The following is an entry in ClinVar:

NM_144670.6(A2ML1):c.512G>A (p.Trp171Ter)

Gene: A2ML1 (alpha-2-macroglobulin like 1; plus strand). Cytogenetic location: 12p13.31.
Variant type: single nucleotide variant.
Coding change: c.512G>A on transcript NM_144670.6 (MANE Select); coding-DNA position 512, G replaced by A.
Protein change: p.Trp171Ter; replaces tryptophan 171 with a stop codon.
Molecular consequence: nonsense.
Genome position (GRCh38, 1-based): chr12:8,835,535, G>A. VCF-style: chr12-8835535-G-A. GRCh37 (hg19) VCF-style: chr12-8988131-G-A.
Other names: short protein forms W171*.
Identifiers: ClinVar variation 2141946 (VCV002141946.4), dbSNP rs373580681, ClinGen allele CA232669505.

ClinVar aggregate classification (germline): Uncertain significance (1 of 4 stars; one submission).

Allele frequency attached by ClinVar (database versions not stated): gnomAD exomes below 0.00001; TOPMed below 0.00001; gnomAD 0.00001.
gnomAD v4.1: 7 of 1,614,034 alleles (0.00043%); highest among the groups gnomAD compares: African/African-American, 0.0013%; no homozygotes.

Submission:

Labcorp Genetics (formerly Invitae), Labcorp
Classification: Uncertain significance. Last evaluated: 2025-06-27. Review status: criteria provided, single submitter. Criteria: Invitae Variant Classification Sherloc (09022015). Collection method: clinical testing. Allele origin: germline.
Comment: This sequence change creates a premature translational stop signal (p.Trp171*) in the A2ML1 gene. It is expected to result in an absent or disrupted protein product. However, the current clinical and genetic evidence is not sufficient to establish whether loss-of-function variants in A2ML1 cause disease. This variant is not present in population databases (gnomAD no frequency). This variant has not been reported in the literature in individuals affected with A2ML1-related conditions. ClinVar contains an entry for this variant (Variation ID: 2141946). Algorithms developed to predict the effect of sequence changes on RNA splicing suggest that this variant may disrupt the consensus splice site. In summary, the available evidence is currently insufficient to determine the role of this variant in disease. Therefore, it has been classified as a Variant of Uncertain Significance.